The following is an entry in ClinVar:

ClinVar aggregate classification (germline): Benign. Review status: criteria provided, multiple submitters, no conflicts (2 of 4 stars). 2 submissions from 2 submitters: Benign (2). Last evaluated 2018-06-14.

Allele frequency attached by ClinVar (database versions not stated): TOPMed 0.04762; gnomAD 0.03930; 1000 Genomes Project 30x 0.05075; 1000 Genomes Project 0.04653.
gnomAD v4.1: 11,960 of 1,224,390 alleles (0.98%); highest among the groups gnomAD compares: African/African-American, 13%; 700 homozygotes.

Submissions (2):

GeneDx
Classification: Benign. Last evaluated: 2018-06-14. Review status: criteria provided, single submitter. Criteria: GeneDx Variant Classification (06012015). Collection method: clinical testing. Allele origin: germline. Affected: yes.
Comment: This variant is considered likely benign or benign based on one or more of the following criteria: it is a conservative change, it occurs at a poorly conserved position in the protein, it is predicted to be benign by multiple in silico algorithms, and/or has population frequency not consistent with disease.

Breakthrough Genomics
Classification: Benign. Review status: criteria provided, single submitter. Criteria: ACMG Guidelines, 2015. Collection method: not provided. Allele origin: germline. Inheritance: Autosomal recessive inheritance. Affected: yes.

NM_177550.5(SLC13A5):c.102+101G>C

Gene: SLC13A5 (solute carrier family 13 member 5; minus strand). Cytogenetic location: 17p13.1.
Variant type: single nucleotide variant.
Coding change: c.102+101G>C on transcript NM_177550.5 (MANE Select); 101 bases into the intron after coding-DNA position 102, G replaced by C.
Molecular consequence: intron variant.
Genome position (GRCh38, 1-based): chr17:6,713,131, C>G on the plus strand (G>C on the coding strand, the complement: SLC13A5 is on the minus strand). VCF-style: chr17-6713131-C-G. GRCh37 (hg19) VCF-style: chr17-6616450-C-G.
Other names: c.102+101G>C (NM_001284510.2, NM_001284509.2, NM_001143838.3).
Identifiers: ClinVar variation 677385 (VCV000677385.2), dbSNP rs114362714, ClinGen allele CA287399733.